The following is an entry in ClinVar:

ClinVar aggregate classification (germline): Uncertain significance. Review status: criteria provided, multiple submitters, no conflicts (2 of 4 stars). 2 submissions from 2 submitters: Uncertain significance (2). Last evaluated 2025-09-09.

Submissions (2):

Labcorp Genetics (formerly Invitae), Labcorp
Classification: Uncertain significance. Last evaluated: 2025-09-09. Review status: criteria provided, single submitter. Criteria: Invitae Variant Classification Sherloc (09022015). Collection method: clinical testing. Allele origin: germline.
Comment: This sequence change replaces glutamine, which is neutral and polar, with arginine, which is basic and polar, at codon 608 of the ABCC8 protein (p.Gln608Arg). This variant is not present in population databases (gnomAD no frequency). This variant has not been reported in the literature in individuals affected with ABCC8-related conditions. ClinVar contains an entry for this variant (Variation ID: 3373705). Invitae Evidence Modeling of protein sequence and biophysical properties (such as structural, functional, and spatial information, amino acid conservation, physicochemical variation, residue mobility, and thermodynamic stability) has been performed for this missense variant. However, the output from this modeling did not meet the statistical confidence thresholds required to predict the impact of this variant on ABCC8 protein function. In summary, the available evidence is currently insufficient to determine the role of this variant in disease. Therefore, it has been classified as a Variant of Uncertain Significance.

GeneDx
Classification: Uncertain significance. Last evaluated: 2024-03-05. Review status: criteria provided, single submitter. Criteria: GeneDx Variant Classification Process June 2021. Collection method: clinical testing. Allele origin: germline. Affected: yes.
Comment: Not observed at significant frequency in large population cohorts (gnomAD); In silico analysis supports that this missense variant does not alter protein structure/function; Has not been previously published as pathogenic or benign to our knowledge

NM_000352.6(ABCC8):c.1823A>G (p.Gln608Arg)

Gene: ABCC8 (ATP binding cassette subfamily C member 8; minus strand). Cytogenetic location: 11p15.1.
Variant type: single nucleotide variant.
Coding change: c.1823A>G on transcript NM_000352.6 (MANE Select); coding-DNA position 1823, A replaced by G.
Protein change: p.Gln608Arg; replaces glutamine 608 with arginine.
Molecular consequence: missense variant. On other transcripts: non-coding transcript variant (1).
Genome position (GRCh38, 1-based): chr11:17,428,665, T>C on the plus strand (A>G on the coding strand, the complement: ABCC8 is on the minus strand). VCF-style: chr11-17428665-T-C. GRCh37 (hg19) VCF-style: chr11-17450212-T-C.
Other names: c.1823A>G, p.Gln608Arg (NM_001287174.3, NM_001351295.2); c.1820A>G, p.Gln607Arg (NM_001351296.2, NM_001351297.2); short protein forms Q607R, Q608R.
Identifiers: ClinVar variation 3373705 (VCV003373705.2).
Genomic context (GRCh38, chr11:17,428,665, plus strand): 5'-TCATGGGGGGCACACTGCTCCTCACGGATCTCTGCACTGGACAGGAACTCGCTTAGCTTT[T>C]GCACGCTGCTCGGGAAGCACAGAGACACCCCTCACCCCTGCCAGGGGCAGAGGGGAGGGG-3'
Protein context (NP_000343.2, residues 598-618): RSTVKALVSV[Gln608Arg]KLSEFLSSAE